The following is an entry in ClinVar:

NM_000642.3(AGL):c.3741T>C (p.Phe1247=)

Gene: AGL (amylo-alpha-1,6-glucosidase and 4-alpha-glucanotransferase; plus strand). Cytogenetic location: 1p21.2.
Variant type: single nucleotide variant.
Coding change: c.3741T>C on transcript NM_000642.3 (MANE Select); coding-DNA position 3741, T replaced by C.
Protein change: p.Phe1247=; no amino-acid change (phenylalanine 1247 retained).
Molecular consequence: synonymous variant.
Genome position (GRCh38, 1-based): chr1:99,910,752, T>C. VCF-style: chr1-99910752-T-C. GRCh37 (hg19) VCF-style: chr1-100376308-T-C.
Other names: c.3741T>C, p.Phe1247= (NM_000028.3, NM_000643.3, NM_000644.3 and 1 more transcripts); c.3693T>C, p.Phe1231= (NM_000646.3); c.3720T>C, p.Phe1240= (NM_001425326.1); c.3540T>C, p.Phe1180= (NM_001425327.1); c.3537T>C, p.Phe1179= (NM_001425328.1); c.3402T>C, p.Phe1134= (NM_001425329.1); c.3363T>C, p.Phe1121= (NM_001425332.1).
Identifiers: ClinVar variation 511799 (VCV000511799.6), dbSNP rs1279212438, ClinGen allele CA419091156.

ClinVar aggregate classification (germline): Likely benign. Review status: criteria provided, multiple submitters, no conflicts (2 of 4 stars). 3 submissions from 3 submitters: Likely benign (3). Last evaluated 2023-04-11.

Conditions:
Glycogen storage disease type III (GSD3). Also called: Cori disease; FORBES DISEASE. Identifiers: Orphanet 366, MedGen C0017922, MONDO:0009291, OMIM 232400.

Allele frequency attached by ClinVar (database versions not stated): TOPMed below 0.00001; gnomAD 0.00001.
gnomAD v4.1: 1 of 1,611,558 alleles (0.000062%); highest among the groups gnomAD compares: Non-Finnish European, 0.000085%; no homozygotes.

Submissions (3):

Genome-Nilou Lab
Classification: Likely benign for Glycogen storage disease type III. Last evaluated: 2023-04-11. Review status: criteria provided, single submitter. Criteria: ACMG Guidelines, 2015. Collection method: clinical testing. Allele origin: germline. Affected: no.

Labcorp Genetics (formerly Invitae), Labcorp
Classification: Likely benign for Glycogen storage disease type III. Last evaluated: 2023-03-29. Review status: criteria provided, single submitter. Criteria: Invitae Variant Classification Sherloc (09022015). Collection method: clinical testing. Allele origin: germline.

GeneDx
Classification: Likely benign. Last evaluated: 2017-09-22. Review status: criteria provided, single submitter. Criteria: GeneDx Variant Classification (06012015). Collection method: clinical testing. Allele origin: germline. Affected: yes.
Comment: This variant is considered likely benign or benign based on one or more of the following criteria: it is a conservative change, it occurs at a poorly conserved position in the protein, it is predicted to be benign by multiple in silico algorithms, and/or has population frequency not consistent with disease.